The following is an entry in ClinVar:

NM_003560.4(PLA2G6):c.1951del (p.Leu651fs)

Gene: PLA2G6 (phospholipase A2 group VI; minus strand). Cytogenetic location: 22q13.1.
Variant type: Deletion.
Coding change: c.1951del on transcript NM_003560.4 (MANE Select); coding-DNA position 1951, one base deleted (C; older notation c.1951delC).
Protein change: p.Leu651fs; shifts the reading frame from leucine 651.
Molecular consequence: frameshift variant.
Genome position (GRCh38, 1-based): chr22:38,115,610, G deleted on the plus strand (C on the coding strand, the reverse complement: PLA2G6 is on the minus strand); the first of 2 consecutive G bases (chr22:38,115,610-38,115,611); deleting either gives the same sequence. VCF-style (leftmost placement, unchanged base first): chr22-38115609-AG-A. GRCh37 (hg19) VCF-style: chr22-38511616-AG-A.
Other names: c.1789del, p.Leu597fs (NM_001004426.3, NM_001199562.3, NM_001349865.2 and 1 more transcripts); c.1951del, p.Leu651fs (NM_001349864.2); c.1417del, p.Leu473fs (NM_001349867.2); c.1273del, p.Leu425fs (NM_001349868.2); c.1255del, p.Leu419fs (NM_001349869.2); short protein forms L419fs, L425fs, L473fs, L597fs, L651fs.
Identifiers: ClinVar variation 1202376 (VCV001202376.3), dbSNP rs2145682767, ClinGen allele CA2499226180.

ClinVar aggregate classification (germline): Likely pathogenic (1 of 4 stars; one submission).

Submission:

GeneDx
Classification: Likely pathogenic. Last evaluated: 2019-11-13. Review status: criteria provided, single submitter. Criteria: GeneDx Variant Classification Process June 2021. Collection method: clinical testing. Allele origin: germline. Affected: yes.
Comment: Frameshift variant predicted to result in protein truncation or nonsense mediated decay in a gene for which loss-of-function is a known mechanism of disease; Not observed in large population cohorts (Lek et al., 2016); Has not been previously published as pathogenic or benign to our knowledge